The following is an entry in ClinVar:

ClinVar aggregate classification (germline): Likely pathogenic (1 of 4 stars; one submission).

Conditions:
Congenital anomalies of kidney and urinary tract syndrome with or without hearing loss, abnormal ears, or developmental delay. Also called: Congenital Anomalies of the Kidney and Urinary Tract syndrome with or without Hearing Loss, Abnormal Ears, or Developmental Delay. Identifiers: Orphanet 656130, MedGen C4539968, MONDO:0060549, OMIM 617641.

Submission:

MVZ Medizinische Genetik Mainz
Classification: Likely pathogenic for Congenital anomalies of kidney and urinary tract syndrome with or without hearing loss, abnormal ears, or developmental delay. Last evaluated: 2026-08-06. Review status: criteria provided, single submitter. Criteria: UK Practice Guidelines For Variant Classification V4 01 2020. Collection method: clinical testing. Allele origin: germline. Inheritance: Autosomal dominant inheritance. Affected: yes. Observed: 1 variant allele.
Comment: ACMG Criteria: PVS1,PM2_SUP

NM_002585.4(PBX1):c.251_252del (p.Ile84fs)

Gene: PBX1 (PBX homeobox 1; plus strand). Cytogenetic location: 1q23.3.
Variant type: Deletion.
Coding change: c.251_252del on transcript NM_002585.4 (MANE Select); coding-DNA positions 251 to 252, 2 bases deleted (TC; older notation c.251_252delTC).
Protein change: p.Ile84fs; shifts the reading frame from isoleucine 84.
Molecular consequence: frameshift variant. On other transcripts: intron variant (1).
Genome position (GRCh38, 1-based): chr1:164,563,297-164,563,298, TC deleted. VCF-style (leftmost placement, unchanged base first): chr1-164563296-ATC-A. GRCh37 (hg19) VCF-style: chr1-164532533-ATC-A.
Other names: c.251_252del, p.Ile84fs (NM_001204961.2, NM_001204963.2, NM_001353131.2); c.16+3284_16+3285del (NM_001353130.1); short protein forms I84fs.
Identifiers: ClinVar variation 4887031 (VCV004887031.1).
Genomic context (GRCh38, chr1:164,563,296, plus strand): 5'-AGAAAACATGCTTTAAACTGCCACAGAATGAAGCCTGCCTTGTTTAATGTGTTGTGTGAA[ATC>A]AAAGAAAAAACAGGTAGGAATGAGATTCCAACATTTTAGCATTTTCTTTGGCCAATTAAA-3'